The following is an entry in ClinVar:

NM_000051.4(ATM):c.8861_8877del (p.Tyr2954fs)

Genes: ATM (ATM serine/threonine kinase; plus strand), C11orf65 (chromosome 11 open reading frame 65; minus strand). Cytogenetic location: 11q22.3.
Variant type: Deletion.
Coding change: c.8861_8877del on transcript NM_000051.4 (MANE Select); coding-DNA positions 8861 to 8877, 17 bases deleted (ATGATCCACTCTTTGAC).
Protein change: p.Tyr2954fs; shifts the reading frame from tyrosine 2954.
Molecular consequence: frameshift variant. On other transcripts: intron variant (2).
Genome position (GRCh38, 1-based): chr11:108,365,092-108,365,108, ATGATCCACTCTTTGAC deleted. VCF-style (leftmost placement, unchanged base first): chr11-108365091-TATGATCCACTCTTTGAC-T. GRCh37 (hg19) VCF-style: chr11-108235818-TATGATCCACTCTTTGAC-T.
Other names: c.8861_8877del17, p.Tyr2954Leufs (NM_000051.3); c.8861_8877del, p.Tyr2954fs (NM_001351834.2); c.640+20812_640+20828del (NM_001330368.2); c.694+20812_694+20828del (NM_001351110.2); short protein forms Y2954fs.
Identifiers: ClinVar variation 963447 (VCV000963447.10), dbSNP rs2091199523, ClinGen allele CA1139662287.

ClinVar aggregate classification (germline): Pathogenic (1 of 4 stars; one submission).

Conditions:
Ataxia-telangiectasia syndrome (AT). Also called: Ataxia-telangiectasia, complementation group D; AT, COMPLEMENTATION GROUP C; ATAXIA-TELANGIECTASIA, COMPLEMENTATION GROUP A; ATAXIA-TELANGIECTASIA, FRESNO VARIANT; Ataxia-telangiectasia; Ataxia telangiectasia (A-T). Identifiers: Orphanet 100, MedGen C0004135, MONDO:0008840, OMIM 208900.

Submission:

Labcorp Genetics (formerly Invitae), Labcorp
Classification: Pathogenic for Ataxia-telangiectasia syndrome. Last evaluated: 2019-09-21. Review status: criteria provided, single submitter. Criteria: Invitae Variant Classification Sherloc (09022015). Collection method: clinical testing. Allele origin: germline.
Comment: For these reasons, this variant has been classified as Pathogenic. This variant disrupts the C-terminus of the ATM protein. Other variant(s) that disrupt this region (p.Arg2993*, p.Arg3047*) have been determined to be pathogenic (PMID: 12815592, 16238588, 20840352, 23774824, 8755918, 18560558, 26628246). This suggests that variants that disrupt this region of the protein are likely to be causative of disease. This variant has not been reported in the literature in individuals with ATM-related conditions. This variant is not present in population databases (ExAC no frequency). This sequence change results in a premature translational stop signal in the ATM gene (p.Tyr2954Leufs*18). While this is not anticipated to result in nonsense mediated decay, it is expected to disrupt the last 103 amino acids of the ATM protein.

Literature cited by the submitters: PubMed 12815592; PubMed 16238588; PubMed 20840352; PubMed 23774824; PubMed 8755918; PubMed 18560558; PubMed 26628246.